The following is an entry in ClinVar:

NM_003846.3(PEX11B):c.689G>T (p.Cys230Phe)

Gene: PEX11B (peroxisomal biogenesis factor 11 beta; minus strand). Cytogenetic location: 1q21.1.
Variant type: single nucleotide variant.
Coding change: c.689G>T on transcript NM_003846.3 (MANE Select); coding-DNA position 689, G replaced by T.
Protein change: p.Cys230Phe; replaces cysteine 230 with phenylalanine.
Molecular consequence: missense variant. On other transcripts: non-coding transcript variant (3).
Genome position (GRCh38, 1-based): chr1:145,912,252, C>A on the plus strand (G>T on the coding strand, the complement: PEX11B is on the minus strand). VCF-style: chr1-145912252-C-A. GRCh37 (hg19) VCF-style: chr1-145522828-G-T.
Other names: c.647G>T, p.Cys216Phe (NM_001184795.1); short protein forms C216F, C230F.
Identifiers: ClinVar variation 1358763 (VCV001358763.8), dbSNP rs1386380085, ClinGen allele CA342120511.

ClinVar aggregate classification (germline): Uncertain significance (1 of 4 stars; one submission).

Submission:

Labcorp Genetics (formerly Invitae), Labcorp
Classification: Uncertain significance. Last evaluated: 2023-12-11. Review status: criteria provided, single submitter. Criteria: Invitae Variant Classification Sherloc (09022015). Collection method: clinical testing. Allele origin: germline.
Comment: This sequence change replaces cysteine, which is neutral and slightly polar, with phenylalanine, which is neutral and non-polar, at codon 230 of the PEX11B protein (p.Cys230Phe). This variant is not present in population databases (gnomAD no frequency). This variant has not been reported in the literature in individuals affected with PEX11B-related conditions. ClinVar contains an entry for this variant (Variation ID: 1358763). An algorithm developed to predict the effect of missense changes on protein structure and function (PolyPhen-2) suggests that this variant is likely to be tolerated. In summary, the available evidence is currently insufficient to determine the role of this variant in disease. Therefore, it has been classified as a Variant of Uncertain Significance.